The following is an entry in ClinVar:

ClinVar aggregate classification (germline): Uncertain significance (1 of 4 stars; one submission).

Submission:

Labcorp Genetics (formerly Invitae), Labcorp
Classification: Uncertain significance. Last evaluated: 2025-10-05. Review status: criteria provided, single submitter. Criteria: Invitae Variant Classification Sherloc (09022015). Collection method: clinical testing. Allele origin: germline.
Comment: This sequence change replaces lysine, which is basic and polar, with glutamic acid, which is acidic and polar, at codon 109 of the C1QTNF5 protein (p.Lys109Glu). This variant is not present in population databases (gnomAD no frequency). This variant has not been reported in the literature in individuals affected with C1QTNF5-related conditions. An algorithm developed to predict the effect of missense changes on protein structure and function (PolyPhen-2) suggests that this variant is likely to be disruptive. In summary, the available evidence is currently insufficient to determine the role of this variant in disease. Therefore, it has been classified as a Variant of Uncertain Significance.

NM_001278431.2(C1QTNF5):c.325A>G (p.Lys109Glu)

Genes: C1QTNF5 (C1q and TNF related 5; minus strand), MFRP (membrane frizzled-related protein; minus strand). Cytogenetic location: 11q23.3.
Variant type: single nucleotide variant.
Coding change: c.325A>G on transcript NM_001278431.2 (MANE Select); coding-DNA position 325, A replaced by G.
Protein change: p.Lys109Glu; replaces lysine 109 with glutamic acid.
Molecular consequence: missense variant. On other transcripts: 3 prime UTR variant (1).
Genome position (GRCh38, 1-based): chr11:119,339,738, T>C on the plus strand (A>G on the coding strand, the complement: C1QTNF5 is on the minus strand). VCF-style: chr11-119339738-T-C. GRCh37 (hg19) VCF-style: chr11-119210448-T-C.
Other names: c.325A>G, p.Lys109Glu (NM_015645.5); c.*1221A>G (NM_031433.4); short protein forms K109E.
Identifiers: ClinVar variation 4728522 (VCV004728522.1).
Genomic context (GRCh38, chr11:119,339,738, plus strand): 5'-GCACGCGGTCGAAGGGCAAGGGTGCGTCAGACGGCGGAGGCACCCGGCTCTCGGAGCGCT[T>C]GGCGCTGAAGGCGGATCGCGGAGGCACCGAGCACTCCCCGGCAGGCCCGGTGGGCCCCGC-3'
Protein context (NP_001265360.1, residues 99-119): SVPPRSAFSA[Lys109Glu]RSESRVPPPS